The following is an entry in ClinVar:

ClinVar aggregate classification (germline): Uncertain significance (1 of 4 stars; one submission).

Conditions:
Cardiovascular phenotype. Identifiers: MedGen CN230736.

Allele frequency attached by ClinVar (database versions not stated): TOPMed below 0.00001.

Submission:

Ambry Genetics
Classification: Uncertain significance for Cardiovascular phenotype. Last evaluated: 2017-10-20. Review status: criteria provided, single submitter. Criteria: Ambry Variant Classification Scheme 2023. Collection method: clinical testing. Allele origin: germline.
Comment: The p.D1062A variant (also known as c.3185A>C), located in coding exon 15 of the MYPN gene, results from an A to C substitution at nucleotide position 3185. The aspartic acid at codon 1062 is replaced by alanine, an amino acid with dissimilar properties. This amino acid position is not well conserved in available vertebrate species. In addition, this alteration is predicted to be tolerated by in silico analysis. Since supporting evidence is limited at this time, the clinical significance of this alteration remains unclear.

NM_032578.4(MYPN):c.3185A>C (p.Asp1062Ala)

Gene: MYPN (myopalladin; plus strand). Cytogenetic location: 10q21.3.
Variant type: single nucleotide variant.
Coding change: c.3185A>C on transcript NM_032578.4 (MANE Select); coding-DNA position 3185, A replaced by C.
Protein change: p.Asp1062Ala; replaces aspartic acid 1062 with alanine.
Molecular consequence: missense variant. On other transcripts: non-coding transcript variant (2).
Genome position (GRCh38, 1-based): chr10:68,197,378, A>C. VCF-style: chr10-68197378-A-C. GRCh37 (hg19) VCF-style: chr10-69957135-A-C.
Other names: c.3185A>C, p.Asp1062Ala (NM_001256267.2); c.2303A>C, p.Asp768Ala (NM_001256268.2); short protein forms D768A, D1062A.
Identifiers: ClinVar variation 1728574 (VCV001728574.2), dbSNP rs2043626408, ClinGen allele CA376858202.
Genomic context (GRCh38, chr10:68,197,378, plus strand): 5'-TATGTTTAATATCTGAACATGCTTGTTGTTATAGGGGAAGATCCCGAGTGCAAGAAAGAG[A>C]CAAAGAGCCCCTACAGGAACGCTTTTTCCGACCACATTTCCTGCAGGCTCCTGGGGATAT-3'
Protein context (NP_115967.2, residues 1052-1072): HRGRSRVQER[Asp1062Ala]KEPLQERFFR